The following is an entry in ClinVar:

ClinVar aggregate classification (germline): Uncertain significance. Review status: criteria provided, multiple submitters, no conflicts (2 of 4 stars). 2 submissions from 2 submitters: Uncertain significance (2). Last evaluated 2025-10-28.

Conditions:
Inborn genetic diseases. Identifiers: MedGen C0950123, MeSH D030342.

Allele frequency attached by ClinVar (database versions not stated): TOPMed below 0.00001; ExAC 0.00001; gnomAD exomes 0.00003.
gnomAD v4.1: 37 of 1,613,872 alleles (0.0023%); highest among the groups gnomAD compares: Middle Eastern, 0.016%; no homozygotes.

Submissions (2):

Ambry Genetics
Classification: Uncertain significance for Inborn genetic diseases. Last evaluated: 2025-10-28. Review status: criteria provided, single submitter. Criteria: Ambry Variant Classification Scheme 2023. Collection method: clinical testing. Allele origin: germline.

Labcorp Genetics (formerly Invitae), Labcorp
Classification: Uncertain significance. Last evaluated: 2025-06-23. Review status: criteria provided, single submitter. Criteria: Invitae Variant Classification Sherloc (09022015). Collection method: clinical testing. Allele origin: germline.
Comment: This sequence change replaces proline, which is neutral and non-polar, with serine, which is neutral and polar, at codon 1103 of the NLRP1 protein (p.Pro1103Ser). This variant is present in population databases (rs749363631, gnomAD 0.002%). This variant has not been reported in the literature in individuals affected with NLRP1-related conditions. ClinVar contains an entry for this variant (Variation ID: 1928432). An algorithm developed to predict the effect of missense changes on protein structure and function (PolyPhen-2) suggests that this variant is likely to be disruptive. In summary, the available evidence is currently insufficient to determine the role of this variant in disease. Therefore, it has been classified as a Variant of Uncertain Significance.

NM_033004.4(NLRP1):c.3307C>T (p.Pro1103Ser)

Gene: NLRP1 (NLR family pyrin domain containing 1; minus strand). Cytogenetic location: 17p13.2.
Variant type: single nucleotide variant.
Coding change: c.3307C>T on transcript NM_033004.4 (MANE Select); coding-DNA position 3307, C replaced by T.
Protein change: p.Pro1103Ser; replaces proline 1103 with serine.
Molecular consequence: missense variant.
Genome position (GRCh38, 1-based): chr17:5,530,694, G>A on the plus strand (C>T on the coding strand, the complement: NLRP1 is on the minus strand). VCF-style: chr17-5530694-G-A. GRCh37 (hg19) VCF-style: chr17-5434014-G-A.
Other names: c.3307C>T (NM_033004.3); c.3319C>T, p.Pro1107Ser (NM_001033053.3); c.3307C>T, p.Pro1103Ser (NM_014922.5); c.3217C>T, p.Pro1073Ser (NM_033006.4, NM_033007.4); short protein forms P1073S, P1103S, P1107S.
Identifiers: ClinVar variation 1928432 (VCV001928432.6), dbSNP rs749363631, ClinGen allele CA8326856.